The following is an entry in ClinVar:

NM_153676.4(USH1C):c.1831G>A (p.Val611Ile)

Gene: USH1C (USH1 protein network component harmonin; minus strand). Cytogenetic location: 11p15.1.
Variant type: single nucleotide variant.
Coding change: c.1831G>A on transcript NM_153676.4 (MANE Select); coding-DNA position 1831, G replaced by A.
Protein change: p.Val611Ile; replaces valine 611 with isoleucine.
Molecular consequence: missense variant. On other transcripts: intron variant (2).
Genome position (GRCh38, 1-based): chr11:17,509,538, C>T on the plus strand (G>A on the coding strand, the complement: USH1C is on the minus strand). VCF-style: chr11-17509538-C-T. GRCh37 (hg19) VCF-style: chr11-17531085-C-T.
Other names: c.1228-7558G>A (NM_001297764.2); c.1285-7558G>A (NM_005709.4); short protein forms V611I.
Identifiers: ClinVar variation 1704932 (VCV001704932.3), dbSNP rs560416690, ClinGen allele CA5904423.
Genomic context (GRCh38, chr11:17,509,538, plus strand): 5'-TCAGTGCTTCTTCCAGCGCCGAGGGCAGTGGGCGGGTGGGAGTGAGGTCTTGGGTGGGAA[C>T]GGATGGCGGGGGAGGGATGGGAATGGGGGGTGGAGTGCGCTGCACCCATGGAGAGGATGA-3'
Protein context (NP_710142.1, residues 601-621): PPIPIPPPPS[Val611Ile]PTQDLTPTRP

ClinVar aggregate classification (germline): Uncertain significance (1 of 4 stars; one submission).

Allele frequency attached by ClinVar (database versions not stated): 1000 Genomes Project 0.00020; 1000 Genomes Project 30x 0.00031.
gnomAD v4.1: 51 of 948,898 alleles (0.0054%); highest among the groups gnomAD compares: African/African-American, 0.07%; no homozygotes.

Submission:

GeneDx
Classification: Uncertain significance. Last evaluated: 2024-06-17. Review status: criteria provided, single submitter. Criteria: GeneDx Variant Classification Process June 2021. Collection method: clinical testing. Allele origin: germline. Affected: yes.
Comment: In silico analysis indicates that this variant does not alter splicing; Has not been previously published as pathogenic or benign to our knowledge; Reported using an alternate transcript of the gene